The following is an entry in ClinVar:

NM_006734.4(HIVEP2):c.7069C>T (p.Pro2357Ser)

Gene: HIVEP2 (HIVEP zinc finger 2; minus strand). Cytogenetic location: 6q24.2.
Variant type: single nucleotide variant.
Coding change: c.7069C>T on transcript NM_006734.4 (MANE Select); coding-DNA position 7069, C replaced by T.
Protein change: p.Pro2357Ser; replaces proline 2357 with serine.
Molecular consequence: missense variant.
Genome position (GRCh38, 1-based): chr6:142,753,379, G>A on the plus strand (C>T on the coding strand, the complement: HIVEP2 is on the minus strand). VCF-style: chr6-142753379-G-A. GRCh37 (hg19) VCF-style: chr6-143074516-G-A.
Other names: short protein forms P2357S.
Identifiers: ClinVar variation 718282 (VCV000718282.19), dbSNP rs199935129, ClinGen allele CA4027573.

ClinVar aggregate classification (germline): Conflicting classifications of pathogenicity. Review status: criteria provided, conflicting classifications (1 of 4 stars). 4 submissions from 4 submitters: Uncertain significance (1); Likely benign (3). Last evaluated 2025-12-03.

Conditions:
Inborn genetic diseases. Identifiers: MedGen C0950123, MeSH D030342.
Intellectual developmental disorder, autosomal dominant 43. Also called: Intellectual disability, autosomal dominant 43. Identifiers: MedGen C4707429, MONDO:0014858, OMIM 616977.

Allele frequency attached by ClinVar (database versions not stated): 1000 Genomes Project 30x 0.00016; ESP Exome Variant Server 0.00098; gnomAD exomes 0.00099 and 0.00068; ExAC 0.00064; gnomAD 0.00068 and 0.00071; TOPMed 0.00068.
gnomAD v4.1: 1,559 of 1,613,952 alleles (0.097%); highest among the groups gnomAD compares: Non-Finnish European, 0.12%; 1 homozygote.

Submissions (4):

Labcorp Genetics (formerly Invitae), Labcorp
Classification: Likely benign. Last evaluated: 2025-12-03. Review status: criteria provided, single submitter. Criteria: Invitae Variant Classification Sherloc (09022015). Collection method: clinical testing. Allele origin: germline.

CeGaT Center for Human Genetics Tuebingen
Classification: Likely benign. Last evaluated: 2025-03-01. Review status: criteria provided, single submitter. Criteria: CeGaT Center For Human Genetics Tuebingen Variant Classification Criteria Version 2. Collection method: clinical testing. Allele origin: germline. Affected: yes. Observed: 1 variant allele.
Comment: HIVEP2: BP4, BS2

Ambry Genetics
Classification: Likely benign for Inborn genetic diseases. Last evaluated: 2022-05-04. Review status: criteria provided, single submitter. Criteria: Ambry Variant Classification Scheme 2023. Collection method: clinical testing. Allele origin: germline.

Revvity Omics, Revvity
Classification: Uncertain significance for Intellectual developmental disorder, autosomal dominant 43. Last evaluated: 2019-01-03. Review status: criteria provided, single submitter. Criteria: ACMG Guidelines, 2015. Collection method: clinical testing. Allele origin: germline.